The following is an entry in ClinVar:

NM_006258.4(PRKG1):c.762+1165_762+1166insATATATATATATATTTTTT

Gene: PRKG1 (protein kinase cGMP-dependent 1; plus strand). Cytogenetic location: 10q21.1.
Variant type: Microsatellite.
Coding change: c.762+1165_762+1166insATATATATATATATTTTTT on transcript NM_006258.4 (MANE Select); bases 1165 to 1166 of the intron after coding-DNA position 762, ATATATATATATATTTTTT inserted.
Molecular consequence: intron variant.
Genome position: GRCh38 VCF-style: chr10-51908734-A-ATATATATATATATATTTTT. GRCh37 (hg19) VCF-style: chr10-53668494-A-ATATATATATATATATTTTT.
Other names: c.717+1165_717+1166insATATATATATATATTTTTT (NM_001098512.3); c.762+1165_762+1166insATATATATATATATTTTTT (NM_001374782.1).
Identifiers: ClinVar variation 2640472 (VCV002640472.24), dbSNP rs563212069.

ClinVar aggregate classification (germline): Benign (1 of 4 stars; one submission).

Submission:

CeGaT Center for Human Genetics Tuebingen
Classification: Benign. Last evaluated: 2022-04-01. Review status: criteria provided, single submitter. Criteria: CeGaT Center For Human Genetics Tuebingen Variant Classification Criteria Version 2. Collection method: clinical testing. Allele origin: germline. Affected: yes. Observed: 1 variant allele.
Comment: PRKG1: BS1, BS2